The following is an entry in ClinVar:

NM_001206927.2(DNAH8):c.6518G>T (p.Arg2173Leu)

Gene: DNAH8 (dynein axonemal heavy chain 8; plus strand). Cytogenetic location: 6p21.2.
Variant type: single nucleotide variant.
Coding change: c.6518G>T on transcript NM_001206927.2 (MANE Select); coding-DNA position 6518, G replaced by T.
Protein change: p.Arg2173Leu; replaces arginine 2173 with leucine.
Molecular consequence: missense variant.
Genome position (GRCh38, 1-based): chr6:38,866,610, G>T. VCF-style: chr6-38866610-G-T. GRCh37 (hg19) VCF-style: chr6-38834386-G-T.
Other names: c.5867G>T, p.Arg1956Leu (NM_001371.4); c.6518G>T (NM_001206927.1); short protein forms R2173L, R1956L.
Identifiers: ClinVar variation 1426075 (VCV001426075.6), dbSNP rs139579198, ClinGen allele CA3789689.

ClinVar aggregate classification (germline): Uncertain significance. Review status: criteria provided, multiple submitters, no conflicts (2 of 4 stars). 2 submissions from 2 submitters: Uncertain significance (2). Last evaluated 2024-07-27.

Conditions:
Primary ciliary dyskinesia. Also called: Ciliary dyskinesia. Identifiers: Orphanet 244, MedGen C0008780, MONDO:0016575, HP:0012265.

Allele frequency attached by ClinVar (database versions not stated): gnomAD 0.00005; ESP Exome Variant Server 0.00008.
gnomAD v4.1: 199 of 1,610,314 alleles (0.012%); highest among the groups gnomAD compares: Non-Finnish European, 0.016%; no homozygotes.

Submissions (2):

Ambry Genetics
Classification: Uncertain significance. Last evaluated: 2024-07-27. Review status: criteria provided, single submitter. Criteria: Ambry Variant Classification Scheme 2023. Collection method: clinical testing. Allele origin: germline.

Labcorp Genetics (formerly Invitae), Labcorp
Classification: Uncertain significance for Primary ciliary dyskinesia. Last evaluated: 2022-08-31. Review status: criteria provided, single submitter. Criteria: Invitae Variant Classification Sherloc (09022015). Collection method: clinical testing. Allele origin: germline.
Comment: This sequence change replaces arginine, which is basic and polar, with leucine, which is neutral and non-polar, at codon 2173 of the DNAH8 protein (p.Arg2173Leu). This variant is present in population databases (rs139579198, gnomAD 0.008%). This variant has not been reported in the literature in individuals affected with DNAH8-related conditions. ClinVar contains an entry for this variant (Variation ID: 1426075). Algorithms developed to predict the effect of missense changes on protein structure and function are either unavailable or do not agree on the potential impact of this missense change (SIFT: "Deleterious"; PolyPhen-2: "Not Available"; Align-GVGD: "Class C0"). In summary, the available evidence is currently insufficient to determine the role of this variant in disease. Therefore, it has been classified as a Variant of Uncertain Significance.